The following is an entry in ClinVar:

ClinVar aggregate classification (germline): Uncertain significance. Review status: criteria provided, multiple submitters, no conflicts (2 of 4 stars). 3 submissions from 3 submitters: Uncertain significance (3). Last evaluated 2023-07-31.

Conditions:
Wilson disease (WND). Also called: Wilson's disease. Identifiers: Orphanet 905, MedGen C0019202, MONDO:0010200, OMIM 277900. Disease mechanism: loss of function.

Allele frequency attached by ClinVar (database versions not stated): gnomAD exomes 0.00001.
gnomAD v4.1: 61 of 1,614,228 alleles (0.0038%); highest among the groups gnomAD compares: Non-Finnish European, 0.0048%; no homozygotes.

Submissions (3):

Color Diagnostics, LLC DBA Color Health
Classification: Uncertain significance for Wilson disease. Last evaluated: 2023-07-31. Review status: criteria provided, single submitter. Criteria: ACMG Guidelines, 2015. Collection method: clinical testing. Allele origin: germline.
Comment: This missense variant replaces serine with arginine at codon 124 of the ATP7B protein. Computational prediction suggests that this variant may not impact protein structure and function. To our knowledge, functional studies have not been reported for this variant. This variant has not been reported in individuals affected with ATP7B-related disorders in the literature. This variant has been identified in 3/249420 chromosomes in the general population by the Genome Aggregation Database (gnomAD). The available evidence is insufficient to determine the role of this variant in disease conclusively. Therefore, this variant is classified as a Variant of Uncertain Significance.

Labcorp Genetics (formerly Invitae), Labcorp
Classification: Uncertain significance for Wilson disease. Last evaluated: 2022-10-04. Review status: criteria provided, single submitter. Criteria: Invitae Variant Classification Sherloc (09022015). Collection method: clinical testing. Allele origin: germline.
Comment: This sequence change replaces serine, which is neutral and polar, with arginine, which is basic and polar, at codon 124 of the ATP7B protein (p.Ser124Arg). This variant is present in population databases (no rsID available, gnomAD 0.003%). This variant has not been reported in the literature in individuals affected with ATP7B-related conditions. ClinVar contains an entry for this variant (Variation ID: 1334168). Advanced modeling of protein sequence and biophysical properties (such as structural, functional, and spatial information, amino acid conservation, physicochemical variation, residue mobility, and thermodynamic stability) performed at Invitae indicates that this missense variant is not expected to disrupt ATP7B protein function. In summary, the available evidence is currently insufficient to determine the role of this variant in disease. Therefore, it has been classified as a Variant of Uncertain Significance.

Myriad Genetics, Inc.
Classification: Uncertain significance for Wilson disease. Last evaluated: 2021-11-08. Review status: criteria provided, single submitter. Criteria: Myriad Women's Health Autosomal Recessive and X-Linked Classification Criteria (2021). Collection method: clinical testing. Allele origin: unknown.
Comment: NM_000053.3(ATP7B):c.372C>A(S124R) is a missense variant classified as a variant of uncertain significance in the context of Wilson disease. S124R has not been observed in cases with relevant disease. Functional assessments of this variant are not available in the literature. S124R has been observed in population frequency databases (gnomAD: NFE <0.001%). In summary, there is insufficient evidence to classify NM_000053.3(ATP7B):c.372C>A(S124R) as pathogenic or benign. Please note: this variant was assessed in the context of healthy population screening.

NM_000053.4(ATP7B):c.372C>A (p.Ser124Arg)

Gene: ATP7B (ATPase copper transporting beta; minus strand). Cytogenetic location: 13q14.3.
Variant type: single nucleotide variant.
Coding change: c.372C>A on transcript NM_000053.4 (MANE Select); coding-DNA position 372, C replaced by A.
Protein change: p.Ser124Arg; replaces serine 124 with arginine.
Molecular consequence: missense variant.
Genome position (GRCh38, 1-based): chr13:51,974,848, G>T on the plus strand (C>A on the coding strand, the complement: ATP7B is on the minus strand). VCF-style: chr13-51974848-G-T. GRCh37 (hg19) VCF-style: chr13-52548984-G-T.
Other names: c.372C>A, p.Ser124Arg (NM_001005918.3, NM_001243182.2, NM_001330578.2 and 1 more transcripts); short protein forms S124R.
Identifiers: ClinVar variation 1334168 (VCV001334168.6), dbSNP rs1489384071, ClinGen allele CA388044177.